The following is an entry in ClinVar:

ClinVar aggregate classification (germline): Uncertain significance (1 of 4 stars; one submission).

Conditions:
Epidermolysis bullosa simplex 3, localized or generalized intermediate, with BP230 deficiency (EBS3). Also called: Epidermolysis bullosa simplex, autosomal recessive 2; Epidermolysis bullosa simplex due to BP230 deficiency. Identifiers: Orphanet 412181, MedGen C3809470, MONDO:0014180, OMIM 615425.
Hereditary sensory and autonomic neuropathy type 6. Also called: Neuropathy, hereditary sensory and autonomic, type VI; HSAN VI. Identifiers: Orphanet 314381, MedGen C3539003, MONDO:0013839, OMIM 614653.

Allele frequency attached by ClinVar (database versions not stated): gnomAD exomes below 0.00001; gnomAD 0.00001.
gnomAD v4.1: 3 of 1,574,282 alleles (0.00019%); highest among the groups gnomAD compares: East Asian, 0.0023%; no homozygotes.

Submission:

Labcorp Genetics (formerly Invitae), Labcorp
Classification: Uncertain significance for Epidermolysis bullosa simplex 3, localized or generalized intermediate, with BP230 deficiency; Hereditary sensory and autonomic neuropathy type 6. Last evaluated: 2022-06-18. Review status: criteria provided, single submitter. Criteria: Invitae Variant Classification Sherloc (09022015). Collection method: clinical testing. Allele origin: germline.
Comment: The DST gene has multiple clinically relevant transcripts. This variant occurs in alternate transcript NM_015548.4, and corresponds to NM_001723.5:c.*17021A>G in the primary transcript. This sequence change replaces isoleucine, which is neutral and non-polar, with valine, which is neutral and non-polar, at codon 1347 of the DST protein (p.Ile1347Val). This variant is not present in population databases (gnomAD no frequency). This variant has not been reported in the literature in individuals affected with DST-related conditions. Experimental studies and prediction algorithms are not available or were not evaluated, and the functional significance of this variant is currently unknown. In summary, the available evidence is currently insufficient to determine the role of this variant in disease. Therefore, it has been classified as a Variant of Uncertain Significance.

NM_001374736.1(DST):c.11908A>G (p.Ile3970Val)

Gene: DST (dystonin; minus strand). Cytogenetic location: 6p12.1.
Variant type: single nucleotide variant.
Coding change: c.11908A>G on transcript NM_001374736.1 (MANE Select); coding-DNA position 11908, A replaced by G.
Protein change: p.Ile3970Val; replaces isoleucine 3970 with valine.
Molecular consequence: missense variant.
Genome position (GRCh38, 1-based): chr6:56,598,496, T>C on the plus strand (A>G on the coding strand, the complement: DST is on the minus strand). VCF-style: chr6-56598496-T-C. GRCh37 (hg19) VCF-style: chr6-56463294-T-C.
Other names: c.5551A>G, p.Ile1851Val (NM_001144769.5); c.5137A>G, p.Ile1713Val (NM_001144770.2); c.11908A>G, p.Ile3970Val (NM_001374722.1); c.11275A>G, p.Ile3759Val (NM_001374729.1); c.5017A>G, p.Ile1673Val (NM_001374730.1, NM_001386100.1, NM_183380.4); c.11935A>G, p.Ile3979Val (NM_001374734.1); c.4039A>G, p.Ile1347Val (NM_015548.5); short protein forms I1851V, I3979V, I1347V, I1713V, I3759V, I3970V, I1673V.
Identifiers: ClinVar variation 1990134 (VCV001990134.4), dbSNP rs2098413724, ClinGen allele CA364528930.